The following is an entry in ClinVar:

NM_013275.6(ANKRD11):c.1898A>G (p.Lys633Arg)

Gene: ANKRD11 (ankyrin repeat domain 11; minus strand). Cytogenetic location: 16q24.3.
Variant type: single nucleotide variant.
Coding change: c.1898A>G on transcript NM_013275.6 (MANE Select); coding-DNA position 1898, A replaced by G.
Protein change: p.Lys633Arg; replaces lysine 633 with arginine.
Molecular consequence: missense variant.
Genome position (GRCh38, 1-based): chr16:89,284,644, T>C on the plus strand (A>G on the coding strand, the complement: ANKRD11 is on the minus strand). VCF-style: chr16-89284644-T-C. GRCh37 (hg19) VCF-style: chr16-89351052-T-C.
Other names: c.1898A>G, p.Lys633Arg (NM_001256183.2, NM_001256182.2); short protein forms K633R.
Identifiers: ClinVar variation 1714201 (VCV001714201.5), dbSNP rs2544243274, ClinGen allele CA397163673.

ClinVar aggregate classification (germline): Uncertain significance (1 of 4 stars; one submission).

Conditions:
KBG syndrome (KBGS). Also called: ANKRD11-Related KBG Syndrome. Identifiers: Orphanet 2332, MedGen C0220687, MONDO:0007846, OMIM 148050.

Submission:

Labcorp Genetics (formerly Invitae), Labcorp
Classification: Uncertain significance for KBG syndrome. Last evaluated: 2023-08-10. Review status: criteria provided, single submitter. Criteria: Invitae Variant Classification Sherloc (09022015). Collection method: clinical testing. Allele origin: germline.
Comment: This variant is not present in population databases (gnomAD no frequency). This variant has not been reported in the literature in individuals affected with ANKRD11-related conditions. Advanced modeling of protein sequence and biophysical properties (such as structural, functional, and spatial information, amino acid conservation, physicochemical variation, residue mobility, and thermodynamic stability) performed at Invitae indicates that this missense variant is not expected to disrupt ANKRD11 protein function. In summary, the available evidence is currently insufficient to determine the role of this variant in disease. Therefore, it has been classified as a Variant of Uncertain Significance. This sequence change replaces lysine, which is basic and polar, with arginine, which is basic and polar, at codon 633 of the ANKRD11 protein (p.Lys633Arg).